The following is an entry in ClinVar:

ClinVar aggregate classification (germline): Uncertain significance (1 of 4 stars; one submission).

Conditions:
KSR2-related disorder. Also called: KSR2-related condition.

Submission:

PreventionGenetics, part of Exact Sciences
Classification: Uncertain significance for KSR2-related condition. Last evaluated: 2025-08-07. Review status: criteria provided, single submitter. Criteria: ACMG Guidelines, 2015. Collection method: clinical testing. Allele origin: germline.
Comment: The KSR2 c.1309C>G variant is predicted to result in the amino acid substitution p.Pro437Ala. To our knowledge, this variant has not been reported in the literature or in a large population database (gnomAD), indicating this variant is rare. At this time, the clinical significance of this variant is uncertain due to the absence of conclusive functional and genetic evidence.

NM_173598.6(KSR2):c.1396C>G (p.Pro466Ala)

Gene: KSR2 (kinase suppressor of ras 2; minus strand). Cytogenetic location: 12q24.22.
Variant type: single nucleotide variant.
Coding change: c.1396C>G on transcript NM_173598.6 (MANE Select); coding-DNA position 1396, C replaced by G.
Protein change: p.Pro466Ala; replaces proline 466 with alanine.
Molecular consequence: missense variant.
Genome position (GRCh38, 1-based): chr12:117,555,291, G>C on the plus strand (C>G on the coding strand, the complement: KSR2 is on the minus strand). VCF-style: chr12-117555291-G-C. GRCh37 (hg19) VCF-style: chr12-117993096-G-C.
Other names: short protein forms P466A.
Identifiers: ClinVar variation 3358812 (VCV003358812.2).